The following is an entry in ClinVar:

ClinVar aggregate classification (germline): Likely benign. Review status: criteria provided, multiple submitters, no conflicts (2 of 4 stars). 4 submissions from 4 submitters: Likely benign (4). Last evaluated 2025-12-03.

Conditions:
Cardiovascular phenotype. Identifiers: MedGen CN230736.
Familial isolated arrhythmogenic right ventricular dysplasia. Identifiers: Orphanet 217656, MedGen C4274968, MONDO:0016342.
Cardiomyopathy (CMYO). Also called: Cardiomyopathies. Identifiers: Orphanet 167848, MedGen C0878544, MONDO:0004994, HP:0001638. Inheritance: Various modes of inheritance.
Arrhythmogenic right ventricular dysplasia 11. Also called: ARRHYTHMOGENIC RIGHT VENTRICULAR DYSPLASIA, FAMILIAL, 11; Arrhythmogenic Right Ventricular Dysplasia/Cardiomyopathy11; Arrhythmogenic right ventricular dysplasia 11 with mild palmoplantar keratoderma and woolly hair. Identifiers: MedGen C1864850, MONDO:0012506, OMIM 610476.

Allele frequency attached by ClinVar (database versions not stated): TOPMed 0.00002; gnomAD exomes 0.00001 and 0.00003; gnomAD 0.00001; ExAC 0.00007.
gnomAD v4.1: 9 of 1,612,472 alleles (0.00056%); highest among the groups gnomAD compares: Admixed American, 0.0083%; no homozygotes.

Submissions (4):

Labcorp Genetics (formerly Invitae), Labcorp
Classification: Likely benign for Arrhythmogenic right ventricular dysplasia 11. Last evaluated: 2025-12-03. Review status: criteria provided, single submitter. Criteria: Invitae Variant Classification Sherloc (09022015). Collection method: clinical testing. Allele origin: germline.

All of Us Research Program, National Institutes of Health
Classification: Likely benign for Familial isolated arrhythmogenic right ventricular dysplasia. Last evaluated: 2023-10-02. Review status: criteria provided, single submitter. Criteria: ACMG Guidelines, 2015. Collection method: clinical testing. Allele origin: germline. Inheritance: Autosomal dominant inheritance. Observed: 1 variant allele, 1 heterozygote.
Comment: This study involves interpretation of variants in research participants for the purpose of population health screening. Participant phenotype was not available at the time of variant classification. Additional details can be found in publication PMID: 35346344, PMCID: PMC8962531

Ambry Genetics
Classification: Likely benign for Cardiovascular phenotype. Last evaluated: 2021-05-03. Review status: criteria provided, single submitter. Criteria: Ambry Variant Classification Scheme 2023. Collection method: clinical testing. Allele origin: germline.

Color Diagnostics, LLC DBA Color Health
Classification: Likely benign for Cardiomyopathy. Last evaluated: 2019-01-25. Review status: criteria provided, single submitter. Criteria: ACMG Guidelines, 2015. Collection method: clinical testing. Allele origin: germline.

NM_024422.6(DSC2):c.2370A>G (p.Gly790=)

Gene: DSC2 (desmocollin 2; minus strand). Cytogenetic location: 18q12.1.
Variant type: single nucleotide variant.
Coding change: c.2370A>G on transcript NM_024422.6 (MANE Select); coding-DNA position 2370, A replaced by G.
Protein change: p.Gly790=; no amino-acid change (glycine 790 retained).
Molecular consequence: synonymous variant.
Genome position (GRCh38, 1-based): chr18:31,069,032, T>C on the plus strand (A>G on the coding strand, the complement: DSC2 is on the minus strand). VCF-style: chr18-31069032-T-C. GRCh37 (hg19) VCF-style: chr18-28648998-T-C.
Other names: c.2370A>G, p.Gly790= (NM_004949.5).
Identifiers: ClinVar variation 923278 (VCV000923278.13), dbSNP rs761302953, ClinGen allele CA036433.